The following is an entry in ClinVar:

NM_000166.6(GJB1):c.462T>A (p.Tyr154Ter)

Gene: GJB1 (gap junction protein beta 1; plus strand). Cytogenetic location: Xq13.1.
Variant type: single nucleotide variant.
Coding change: c.462T>A on transcript NM_000166.6 (MANE Select); coding-DNA position 462, T replaced by A.
Protein change: p.Tyr154Ter; replaces tyrosine 154 with a stop codon.
Molecular consequence: nonsense.
Genome position (GRCh38, 1-based): chrX:71,224,169, T>A. VCF-style: chrX-71224169-T-A. GRCh37 (hg19) VCF-style: chrX-70444019-T-A.
Other names: c.462T>A, p.Tyr154Ter (NM_001097642.3); short protein forms Y154*.
Identifiers: ClinVar variation 1807289 (VCV001807289.2), dbSNP rs879254098, ClinGen allele CA413502596.
Genomic context (GRCh38, chrX:71,224,169, plus strand): 5'-CTATGTCATCAGCGTGGTGTTCCGGCTGTTGTTTGAGGCCGTCTTCATGTATGTCTTTTA[T>A]CTGCTCTACCCTGGCTATGCCATGGTGCGGCTGGTCAAGTGCGACGTCTACCCCTGCCCC-3'

ClinVar aggregate classification (germline): Pathogenic. Review status: criteria provided, multiple submitters, no conflicts (2 of 4 stars). 2 submissions from 2 submitters: Pathogenic (2). Last evaluated 2023-04-16.

Conditions:
Charcot-Marie-Tooth disease X-linked dominant 1. Also called: CHARCOT-MARIE-TOOTH NEUROPATHY, X-LINKED, 1; CHARCOT-MARIE-TOOTH PERONEAL MUSCULAR ATROPHY, X-LINKED; HEREDITARY MOTOR AND SENSORY NEUROPATHY, X-LINKED; HMSN, X-LINKED; X-linked Charcot-Marie-Tooth disease type 1; GJB1 Disorders: Charcot-Marie-Tooth Neuropathy (CMT1X) and Central Nervous System Phenotypes. Identifiers: Orphanet 101075, MedGen C0393808, MONDO:0010549, OMIM 302800.

Submissions (2):

Palindrome, Gene Kavoshgaran Aria
Classification: Pathogenic for Charcot-Marie-Tooth disease X-linked dominant 1. Last evaluated: 2023-04-16. Review status: criteria provided, single submitter. Criteria: ACMG Guidelines, 2015. Collection method: clinical testing. Allele origin: germline. Inheritance: X-linked recessive inheritance. Affected: yes. Observed: 1 hemizygote.

Athena Diagnostics
Classification: Pathogenic. Last evaluated: 2022-01-05. Review status: criteria provided, single submitter. Criteria: Athena Diagnostics Criteria. Collection method: clinical testing. Allele origin: unknown.
Comment: This variant is expected to result in the loss of a functional protein. This variant has not been reported in large, multi-ethnic general populations. This variant has been identified in at least one individual with clinical features associated with this gene.

Literature cited by the submitters: PubMed 9361298 (cited by Athena Diagnostics).